The following is an entry in ClinVar:

ClinVar aggregate classification (germline): Uncertain significance (1 of 4 stars; one submission).

Conditions:
Immunodeficiency 35 (IMD35). Also called: Susceptibility to infection due to TYK2 deficiency; TYK2 DEFICIENCY; HIES WITH ATYPICAL MYCOBACTERIOSIS, AUTOSOMAL RECESSIVE; HYPER-IgE SYNDROME WITH ATYPICAL MYCOBACTERIOSIS, AUTOSOMAL RECESSIVE. Identifiers: Orphanet 331226, MedGen C1969086, MONDO:0012682, OMIM 611521.

Submission:

Labcorp Genetics (formerly Invitae), Labcorp
Classification: Uncertain significance for Immunodeficiency 35. Last evaluated: 2022-06-20. Review status: criteria provided, single submitter. Criteria: Invitae Variant Classification Sherloc (09022015). Collection method: clinical testing. Allele origin: germline.
Comment: This variant is not present in population databases (gnomAD no frequency). This variant has not been reported in the literature in individuals affected with TYK2-related conditions. Algorithms developed to predict the effect of missense changes on protein structure and function are either unavailable or do not agree on the potential impact of this missense change (SIFT: "Not Available"; PolyPhen-2: "Benign"; Align-GVGD: "Not Available"). In summary, the available evidence is currently insufficient to determine the role of this variant in disease. Therefore, it has been classified as a Variant of Uncertain Significance. This sequence change replaces cysteine, which is neutral and slightly polar, with arginine, which is basic and polar, at codon 125 of the TYK2 protein (p.Cys125Arg).

NM_003331.5(TYK2):c.373T>C (p.Cys125Arg)

Gene: TYK2 (tyrosine kinase 2; minus strand). Cytogenetic location: 19p13.2.
Variant type: single nucleotide variant.
Coding change: c.373T>C on transcript NM_003331.5 (MANE Select); coding-DNA position 373, T replaced by C.
Protein change: p.Cys125Arg; replaces cysteine 125 with arginine.
Molecular consequence: missense variant.
Genome position (GRCh38, 1-based): chr19:10,368,147, A>G on the plus strand (T>C on the coding strand, the complement: TYK2 is on the minus strand). VCF-style: chr19-10368147-A-G. GRCh37 (hg19) VCF-style: chr19-10478823-A-G.
Other names: c.373T>C, p.Cys125Arg (NM_001385197.1, NM_001385198.1, NM_001385199.1 and 8 more transcripts); short protein forms C125R.
Identifiers: ClinVar variation 1482062 (VCV001482062.8), dbSNP rs2145273513, ClinGen allele CA404019103.
Genomic context (GRCh38, chr19:10,368,147, plus strand): 5'-CCAGGAGTTGCATCCCCTGTGCTGTCTGATCTGAGGATGCCTCGGTTCCTGGGGGCCCAC[A>G]ACGGTACACAGCCGGTTCCCGAGGATTCATGCCATGCCAGTTCCGGAAATAAAACCTGCA-3'
Protein context (NP_003322.3, residues 115-135): MNPREPAVYR[Cys125Arg]GPPGTEASSD